The following is an entry in ClinVar:

ClinVar aggregate classification (germline): Benign. Review status: criteria provided, single submitter (1 of 4 stars). 2 submissions from 2 submitters: Benign (1). 1 of the submissions does not count toward it. Last evaluated 2018-05-16.

Conditions:
CNTNAP5-related disorder. Also called: CNTNAP5-related condition.

Allele frequency attached by ClinVar (database versions not stated): gnomAD exomes 0.00014 and 0.00038; ExAC 0.00046; gnomAD 0.00124 and 0.00136; TOPMed 0.00146; ESP Exome Variant Server 0.00155; 1000 Genomes Project 30x 0.00172; 1000 Genomes Project 0.00180.
gnomAD v4.1: 397 of 1,613,932 alleles (0.025%); highest among the groups gnomAD compares: African/African-American, 0.49%; no homozygotes.

Submissions (2):

Labcorp Genetics (formerly Invitae), Labcorp
Classification: Benign. Last evaluated: 2018-05-16. Review status: criteria provided, single submitter. Criteria: Invitae Variant Classification Sherloc (09022015). Collection method: clinical testing. Allele origin: germline.

PreventionGenetics, part of Exact Sciences
Classification: Likely benign for CNTNAP5-related condition. Last evaluated: 2019-04-04. Review status: no assertion criteria provided. Collection method: clinical testing. Allele origin: germline. Not counted in ClinVar's aggregate classification.
Comment: This variant is classified as likely benign based on ACMG/AMP sequence variant interpretation guidelines (Richards et al. 2015 PMID: 25741868, with internal and published modifications).

NM_001367498.1(CNTNAP5):c.3129T>C (p.Leu1043=)

Gene: CNTNAP5 (contactin associated protein family member 5; plus strand). Cytogenetic location: 2q14.3.
Variant type: single nucleotide variant.
Coding change: c.3129T>C on transcript NM_001367498.1 (MANE Select); coding-DNA position 3129, T replaced by C.
Protein change: p.Leu1043=; no amino-acid change (leucine 1043 retained).
Molecular consequence: synonymous variant.
Genome position (GRCh38, 1-based): chr2:124,798,232, T>C. VCF-style: chr2-124798232-T-C. GRCh37 (hg19) VCF-style: chr2-125555809-T-C.
Other names: c.3126T>C, p.Leu1042= (NM_130773.4).
Identifiers: ClinVar variation 744086 (VCV000744086.5), dbSNP rs79076754, ClinGen allele CA1856355.
Genomic context (GRCh38, chr2:124,798,232, plus strand): 5'-AAGCCTCTCATCCTCAGCTATTTACACAGATTCAGCTCCATCCAAGGAAAACATTGCACT[T>C]AGCTTTGTGACAACCCAGGCACCCAGTCTTTTGCTCTTTATCAATTCTTCTTCTCAGGAC-3'
Protein context (NP_001354427.1, residues 1033-1053): DSAPSKENIA[Leu1043=]SFVTTQAPSL